The following is an entry in ClinVar:

NM_016507.4(CDK12):c.161G>A (p.Gly54Glu)

Genes: CDK12 (cyclin dependent kinase 12; plus strand), LOC126862553 (CDK7 strongly-dependent group 2 enhancer GRCh37_chr17:37618166-37619365; plus strand). Cytogenetic location: 17q12.
Variant type: single nucleotide variant.
Coding change: c.161G>A on transcript NM_016507.4 (MANE Select); coding-DNA position 161, G replaced by A.
Protein change: p.Gly54Glu; replaces glycine 54 with glutamic acid.
Molecular consequence: missense variant.
Genome position (GRCh38, 1-based): chr17:39,462,232, G>A. VCF-style: chr17-39462232-G-A. GRCh37 (hg19) VCF-style: chr17-37618485-G-A.
Other names: c.161G>A, p.Gly54Glu (NM_015083.4); short protein forms G54E.
Identifiers: ClinVar variation 3830436 (VCV003830436.1).
Genomic context (GRCh38, chr17:39,462,232, plus strand): 5'-AGCGTCACCGCTTGGTATCGAAGCACAAGCGGCATAAGTCCAAACACTCCAAAGACATGG[G>A]GTTGGTGACCCCCGAAGCAGCATCCCTGGGCACAGTTATCAAACCTTTGGTGGAGTATGA-3'
Protein context (NP_057591.2, residues 44-64): RHKSKHSKDM[Gly54Glu]LVTPEAASLG

ClinVar aggregate classification (germline): Uncertain significance (1 of 4 stars; one submission).

gnomAD v4.1: 7 of 1,614,034 alleles (0.00043%); highest among the groups gnomAD compares: African/African-American, 0.004%; no homozygotes.

Submission:

Ambry Genetics
Classification: Uncertain significance. Last evaluated: 2025-01-01. Review status: criteria provided, single submitter. Criteria: Ambry Variant Classification Scheme 2023. Collection method: clinical testing. Allele origin: germline.
Comment: The p.G54E variant (also known as c.161G>A), located in coding exon 1 of the CDK12 gene, results from a G to A substitution at nucleotide position 161. The glycine at codon 54 is replaced by glutamic acid, an amino acid with similar properties. This amino acid position is conserved. In addition, this alteration is predicted to be tolerated by in silico analysis. Based on the available evidence, the clinical significance of this variant remains unclear.